The following is an entry in ClinVar:

NM_001353694.2(TIAM1):c.621C>T (p.Asp207=)

Gene: TIAM1 (TIAM Rac1 associated GEF 1; minus strand). Cytogenetic location: 21q22.11.
Variant type: single nucleotide variant.
Coding change: c.621C>T on transcript NM_001353694.2 (MANE Select); coding-DNA position 621, C replaced by T.
Protein change: p.Asp207=; no amino-acid change (aspartic acid 207 retained).
Molecular consequence: synonymous variant.
Genome position (GRCh38, 1-based): chr21:31,266,352, G>A on the plus strand (C>T on the coding strand, the complement: TIAM1 is on the minus strand). VCF-style: chr21-31266352-G-A. GRCh37 (hg19) VCF-style: chr21-32638668-G-A.
Other names: c.621C>T, p.Asp207= (NM_001353686.2, NM_001353687.2, NM_001353688.1 and 6 more transcripts).
Identifiers: ClinVar variation 5038698 (VCV005038698.1).

ClinVar aggregate classification (germline): Likely benign (1 of 4 stars; one submission).

gnomAD v4.1: 262 of 1,614,244 alleles (0.016%); highest among the groups gnomAD compares: Admixed American, 0.072%; no homozygotes.

Submission:

CeGaT Center for Human Genetics Tuebingen
Classification: Likely benign. Last evaluated: 2026-08-01. Review status: criteria provided, single submitter. Criteria: CeGaT Center For Human Genetics Tuebingen Variant Classification Criteria Version 2. Collection method: clinical testing. Allele origin: germline. Affected: yes. Observed: 1 variant allele.
Comment: TIAM1: BP4, BP7